The following is an entry in ClinVar:

ClinVar aggregate classification (germline): Likely benign (1 of 4 stars; one submission).

Allele frequency attached by ClinVar (database versions not stated): gnomAD exomes below 0.00001.
gnomAD v4.1: 2 of 1,210,038 alleles (0.00017%); highest among the groups gnomAD compares: Non-Finnish European, 0.00022%; no homozygotes.

Submission:

CeGaT Center for Human Genetics Tuebingen
Classification: Likely benign. Last evaluated: 2022-09-01. Review status: criteria provided, single submitter. Criteria: CeGaT Center For Human Genetics Tuebingen Variant Classification Criteria Version 2. Collection method: clinical testing. Allele origin: germline. Affected: yes. Observed: 1 variant allele.
Comment: NEXMIF: PM2:Supporting, BP4, BP7

NM_001008537.3(NEXMIF):c.2439G>T (p.Gly813=)

Gene: NEXMIF (neurite extension and migration factor; minus strand). Cytogenetic location: Xq13.3.
Variant type: single nucleotide variant.
Coding change: c.2439G>T on transcript NM_001008537.3 (MANE Select); coding-DNA position 2439, G replaced by T.
Protein change: p.Gly813=; no amino-acid change (glycine 813 retained).
Molecular consequence: synonymous variant.
Genome position (GRCh38, 1-based): chrX:74,742,118, C>A on the plus strand (G>T on the coding strand, the complement: NEXMIF is on the minus strand). VCF-style: chrX-74742118-C-A. GRCh37 (hg19) VCF-style: chrX-73961953-C-A.
Identifiers: ClinVar variation 2660934 (VCV002660934.24), dbSNP rs2519913926, ClinGen allele CA517466998.
Genomic context (GRCh38, chrX:74,742,118, plus strand): 5'-GAAGTATGAGATACTAGTGTTATTTGACAAGTCAGAAGCATCTAACAATGTCTGCAGATA[C>A]CCTCCCGGGATAACAGGTATATTAGTGGTAACATTAGCAGATGATAAAGGCATTTCAGAA-3'
Protein context (NP_001008537.1, residues 803-823): VTTNIPVIPG[Gly813=]YLQTLLDASD